The following is an entry in ClinVar:

ClinVar aggregate classification (germline): Uncertain significance (1 of 4 stars; one submission).

Submission:

GeneDx
Classification: Uncertain significance. Last evaluated: 2023-05-26. Review status: criteria provided, single submitter. Criteria: GeneDx Variant Classification Process June 2021. Collection method: clinical testing. Allele origin: germline. Affected: yes.
Comment: Not observed at significant frequency in large population cohorts (gnomAD); In silico analysis supports that this missense variant does not alter protein structure/function; Has not been previously published as pathogenic or benign to our knowledge

NM_003126.4(SPTA1):c.6107T>A (p.Leu2036Gln)

Gene: SPTA1 (spectrin alpha, erythrocytic 1; minus strand). Cytogenetic location: 1q23.1.
Variant type: single nucleotide variant.
Coding change: c.6107T>A on transcript NM_003126.4 (MANE Select); coding-DNA position 6107, T replaced by A.
Protein change: p.Leu2036Gln; replaces leucine 2036 with glutamine.
Molecular consequence: missense variant.
Genome position (GRCh38, 1-based): chr1:158,622,996, A>T on the plus strand (T>A on the coding strand, the complement: SPTA1 is on the minus strand). VCF-style: chr1-158622996-A-T. GRCh37 (hg19) VCF-style: chr1-158592786-A-T.
Other names: short protein forms L2036Q.
Identifiers: ClinVar variation 3362042 (VCV003362042.1).
Genomic context (GRCh38, chr1:158,622,996, plus strand): 5'-ATATACAGGTAACAGAGAACTGATCATGCCTCATAATTTTTTTAAACCTTCTGTAGAGGC[A>T]GCTGTTTCTCCAGCAATTTCTGTCTGTGGACTGCCGAGGCTTCCAGCAACTGTTCCCAGC-3'
Protein context (NP_003117.2, residues 2026-2046): VHRQKLLEKQ[Leu2036Gln]PLQKAEDLFV